The following is an entry in ClinVar:

ClinVar aggregate classification (germline): Likely benign. Review status: criteria provided, multiple submitters, no conflicts (2 of 4 stars). 5 submissions from 5 submitters: Likely benign (5). Last evaluated 2026-02-17.

Conditions:
Ehlers-Danlos syndrome, spondylodysplastic type, 2 (EDSSPD2). Also called: Ehlers-Danlos syndrome, progeroid type, 2. Identifiers: Orphanet 536467, Orphanet 75496, MedGen C3809210, MONDO:0014139, OMIM 615349.
Spondyloepimetaphyseal dysplasia with joint laxity (SEMDJL). Identifiers: MedGen C0432243, MONDO:0019675.

Allele frequency attached by ClinVar (database versions not stated): TOPMed 0.00002; gnomAD 0.00003 and 0.00004; ExAC 0.00005; gnomAD exomes 0.00006.

Submissions (5):

Women's Health and Genetics/Laboratory Corporation of America, LabCorp
Classification: Likely benign. Last evaluated: 2026-02-17. Review status: criteria provided, single submitter. Criteria: LabCorp Variant Classification Summary - May 2015. Collection method: clinical testing. Allele origin: germline.

Mayo Clinic Laboratories, Mayo Clinic
Classification: Likely benign. Last evaluated: 2025-09-25. Review status: criteria provided, single submitter. Criteria: ACMG Guidelines, 2015. Collection method: clinical testing. Allele origin: germline. Observed: 1 variant allele.
Comment: BP4, BP7

Labcorp Genetics (formerly Invitae), Labcorp
Classification: Likely benign for Ehlers-Danlos syndrome, spondylodysplastic type, 2; Spondyloepimetaphyseal dysplasia with joint laxity. Last evaluated: 2025-07-27. Review status: criteria provided, single submitter. Criteria: Invitae Variant Classification Sherloc (09022015). Collection method: clinical testing. Allele origin: germline.

Blueprint Genetics
Classification: Likely benign. Last evaluated: 2023-12-29. Review status: criteria provided, single submitter. Criteria: ACMG Guidelines, 2015. Collection method: clinical testing. Allele origin: germline.

GeneDx
Classification: Likely benign. Last evaluated: 2021-02-08. Review status: criteria provided, single submitter. Criteria: GeneDx Variant Classification Process June 2021. Collection method: clinical testing. Allele origin: germline. Affected: yes.

NM_080605.4(B3GALT6):c.630G>A (p.Leu210=)

Gene: B3GALT6 (beta-1,3-galactosyltransferase 6; plus strand). Cytogenetic location: 1p36.33.
Variant type: single nucleotide variant.
Coding change: c.630G>A on transcript NM_080605.4 (MANE Select); coding-DNA position 630, G replaced by A.
Protein change: p.Leu210=; no amino-acid change (leucine 210 retained).
Molecular consequence: synonymous variant.
Genome position (GRCh38, 1-based): chr1:1,232,908, G>A. VCF-style: chr1-1232908-G-A. GRCh37 (hg19) VCF-style: chr1-1168288-G-A.
Other names: p.Leu210=.
Identifiers: ClinVar variation 511742 (VCV000511742.17), dbSNP rs547484259, ClinGen allele CA513408.